The following is an entry in ClinVar:

NM_006379.5(SEMA3C):c.1448A>G (p.His483Arg)

Gene: SEMA3C (semaphorin 3C; minus strand). Cytogenetic location: 7q21.11.
Variant type: single nucleotide variant.
Coding change: c.1448A>G on transcript NM_006379.5 (MANE Select); coding-DNA position 1448, A replaced by G.
Protein change: p.His483Arg; replaces histidine 483 with arginine.
Molecular consequence: missense variant.
Genome position (GRCh38, 1-based): chr7:80,761,653, T>C on the plus strand (A>G on the coding strand, the complement: SEMA3C is on the minus strand). VCF-style: chr7-80761653-T-C. GRCh37 (hg19) VCF-style: chr7-80390969-T-C.
Other names: c.1502A>G, p.His501Arg (NM_001350120.2); c.1274A>G, p.His425Arg (NM_001350121.2); c.1448A>G (NM_006379.3); short protein forms H425R, H483R, H501R.
Identifiers: ClinVar variation 2629340 (VCV002629340.3), dbSNP rs1026735841, ClinGen allele CA161057355.
Genomic context (GRCh38, chr7:80,761,653, plus strand): 5'-ACATAAAATAGCTTAGTTTTTACCTTTTTAGATGAAATTTTCATTGTTGTTATAGGAGCA[T>C]GATTCTAAAATATTAGAAAACAACATGTTAGTTGCTCAAATATTGCTTAAAAGGATTTTA-3'
Protein context (NP_006370.1, residues 473-493): ILEELEVFKN[His483Arg]APITTMKISS

ClinVar aggregate classification (germline): Uncertain significance. Review status: criteria provided, single submitter (1 of 4 stars). 2 submissions from 2 submitters: Uncertain significance (1). 1 of the submissions does not count toward it. Last evaluated 2025-09-22.

Conditions:
SEMA3C-related disorder. Also called: SEMA3C-related condition.

Allele frequency attached by ClinVar (database versions not stated): gnomAD 0.00002; TOPMed 0.00002; gnomAD exomes 0.00001.
gnomAD v4.1: 9 of 1,337,204 alleles (0.00067%); highest among the groups gnomAD compares: Non-Finnish European, 0.00041%; no homozygotes.

Submissions (2):

Ambry Genetics
Classification: Uncertain significance. Last evaluated: 2025-09-22. Review status: criteria provided, single submitter. Criteria: Ambry Variant Classification Scheme 2023. Collection method: clinical testing. Allele origin: germline.

PreventionGenetics, part of Exact Sciences
Classification: Uncertain significance for SEMA3C-related condition. Last evaluated: 2024-04-30. Review status: no assertion criteria provided. Collection method: clinical testing. Allele origin: germline. Not counted in ClinVar's aggregate classification.
Comment: The SEMA3C c.1502A>G variant is predicted to result in the amino acid substitution p.His501Arg. To our knowledge, this variant has not been reported in the literature. This variant is reported in 0.0050% of alleles in individuals of European (Finnish) descent in gnomAD. At this time, the clinical significance of this variant is uncertain due to the absence of conclusive functional and genetic evidence.